The following is an entry in ClinVar:

ClinVar aggregate classification (germline): Uncertain significance. Review status: criteria provided, single submitter (1 of 4 stars). 3 submissions from 2 submitters: Uncertain significance (1). 2 of the submissions do not count toward it. Last evaluated 2026-09-08.

Conditions:
Fabry disease. Also called: ALPHA-GALACTOSIDASE A DEFICIENCY; ANDERSON-FABRY DISEASE; CERAMIDE TRIHEXOSIDASE DEFICIENCY; Fabry's disease; Angiokeratoma corporis diffusum; Ceramide trihexosidosis. Identifiers: Orphanet 324, MedGen C0002986, MONDO:0010526, OMIM 301500, HP:0001071. Disease mechanism: loss of function, Fabry disease is due to inactivating mutations in the X-linked GLA gene resulting in deficiency of the enzyme Alpha Galactosidase-A..
Migalastat response. Also called: 1-Deoxygalactonojirimycin response; Galafold response. Identifiers: MedGen CN233149.

Submissions (3):

Genomenon, Inc
Classification: Uncertain significance for Fabry disease. Last evaluated: 2026-09-08. Review status: criteria provided, single submitter. Criteria: Genomenon Sequence Variant Interpretation Standards - Updated. Collection method: curation. Allele origin: germline. Affected: no.
Comment: GLA p.Asp315Asn (c.943G>A) is a missense variant that changes the amino acid at codon 315 from Aspartic acid to Asparagine. This variant has been reported in the published literature (PMID:26415523). It is absent or not present at a significant frequency in gnomAD. In conclusion, we classify GLA p.Asp315Asn (c.943G>A) as a variant of uncertain significance.

Albrecht-Kossel-Institute, Medical University Rostock
Classification: Uncertain significance for Fabry's disease. Last evaluated: 2014-01-01. Review status: no assertion criteria provided. Collection method: research. Allele origin: inherited. Not counted in ClinVar's aggregate classification.

Albrecht-Kossel-Institute, Medical University Rostock
Classification: drug response for deoxygalactonojirimycin response. Last evaluated: 2014-01-01. Review status: no assertion criteria provided. Collection method: research. Allele origin: inherited. Not counted in ClinVar's aggregate classification.

Literature cited by the submitters: PubMed 26415523 (cited by Genomenon, Inc and Albrecht-Kossel-Institute, Medical University Rostock).

NM_000169.3(GLA):c.943G>A (p.Asp315Asn)

Genes: GLA (galactosidase alpha; minus strand), RPL36A-HNRNPH2 (RPL36A-HNRNPH2 readthrough; plus strand). Cytogenetic location: Xq22.1.
Variant type: single nucleotide variant.
Coding change: c.943G>A on transcript NM_000169.3 (MANE Select); coding-DNA position 943, G replaced by A.
Protein change: p.Asp315Asn; replaces aspartic acid 315 with asparagine.
Molecular consequence: missense variant. On other transcripts: non-coding transcript variant (3), intron variant (2).
Genome position (GRCh38, 1-based): chrX:101,398,426, C>T on the plus strand (G>A on the coding strand, the complement: GLA is on the minus strand). VCF-style: chrX-101398426-C-T. GRCh37 (hg19) VCF-style: chrX-100653414-C-T.
Other names: c.1066G>A, p.Asp356Asn (NM_001406747.1); c.943G>A, p.Asp315Asn (NM_001406748.1); c.300+2969C>T (NM_001199973.2); c.177+6604C>T (NM_001199974.2); short protein forms D315N, D356N.
Identifiers: ClinVar variation 217403 (VCV000217403.3), dbSNP rs869312156, ClinGen allele CA353067.
Genomic context (GRCh38, chrX:101,398,426, plus strand): 5'-TTACCTGTCTAAGCTGGTACCCTTGCTTGCCCAAGGGGTCCTGATTGATGGCAATTACGT[C>T]CTTATCCTGAAGGAGAGCTTTGGCTTGAGGGCTGATGTGTCGGAGGTCATTAGACATGAA-3'
Protein context (NP_000160.1, residues 305-325): PQAKALLQDK[Asp315Asn]VIAINQDPLG